The following is an entry in ClinVar:

ClinVar aggregate classification (germline): Uncertain significance. Review status: criteria provided, multiple submitters, no conflicts (2 of 4 stars). 2 submissions from 2 submitters: Uncertain significance (2). Last evaluated 2025-04-25.

Conditions:
Inborn genetic diseases. Identifiers: MedGen C0950123, MeSH D030342.

Submissions (2):

Ambry Genetics
Classification: Uncertain significance for Inborn genetic diseases. Last evaluated: 2025-04-25. Review status: criteria provided, single submitter. Criteria: Ambry Variant Classification Scheme 2023. Collection method: clinical testing. Allele origin: germline.

Labcorp Genetics (formerly Invitae), Labcorp
Classification: Uncertain significance. Last evaluated: 2025-02-26. Review status: criteria provided, single submitter. Criteria: Invitae Variant Classification Sherloc (09022015). Collection method: clinical testing. Allele origin: germline.
Comment: This sequence change replaces threonine, which is neutral and polar, with lysine, which is basic and polar, at codon 504 of the TFRC protein (p.Thr504Lys). This variant is present in population databases (rs769366579, gnomAD 0.004%). This variant has not been reported in the literature in individuals affected with TFRC-related conditions. ClinVar contains an entry for this variant (Variation ID: 2519211). Invitae Evidence Modeling of protein sequence and biophysical properties (such as structural, functional, and spatial information, amino acid conservation, physicochemical variation, residue mobility, and thermodynamic stability) indicates that this missense variant is not expected to disrupt TFRC protein function with a negative predictive value of 80%. In summary, the available evidence is currently insufficient to determine the role of this variant in disease. Therefore, it has been classified as a Variant of Uncertain Significance.

NM_001128148.3(TFRC):c.1511C>A (p.Thr504Lys)

Gene: TFRC (transferrin receptor; minus strand). Cytogenetic location: 3q29.
Variant type: single nucleotide variant.
Coding change: c.1511C>A on transcript NM_001128148.3 (MANE Select); coding-DNA position 1511, C replaced by A.
Protein change: p.Thr504Lys; replaces threonine 504 with lysine.
Molecular consequence: missense variant.
Genome position (GRCh38, 1-based): chr3:196,060,205, G>T on the plus strand (C>A on the coding strand, the complement: TFRC is on the minus strand). VCF-style: chr3-196060205-G-T. GRCh37 (hg19) VCF-style: chr3-195787076-G-T.
Other names: c.1268C>A, p.Thr423Lys (NM_001313965.2); c.665C>A, p.Thr222Lys (NM_001313966.2); c.1511C>A, p.Thr504Lys (NM_003234.4); short protein forms T423K, T504K, T222K.
Identifiers: ClinVar variation 2519211 (VCV002519211.6), dbSNP rs769366579, ClinGen allele CA2777886.
Genomic context (GRCh38, chr3:196,060,205, plus strand): 5'-AAGTCATACATTTTTGTAATGAGGTATATACTCACATTTTGCATTGTTTTCTCAATAAGC[G>T]TATACAACAGTGGGCTGGCAGAAACCTTGAAGTTGCTGGTACCTGAAAATAAATTGTTTT-3'
Protein context (NP_001121620.1, residues 494-514): FKVSASPLLY[Thr504Lys]LIEKTMQNVK